The following is an entry in ClinVar:

NM_006904.7(PRKDC):c.9619A>C (p.Asn3207His)

Gene: PRKDC (protein kinase, DNA-activated, catalytic subunit; minus strand). Cytogenetic location: 8q11.21.
Variant type: single nucleotide variant.
Coding change: c.9619A>C on transcript NM_006904.7 (MANE Select); coding-DNA position 9619, A replaced by C.
Protein change: p.Asn3207His; replaces asparagine 3207 with histidine.
Molecular consequence: missense variant.
Genome position (GRCh38, 1-based): chr8:47,807,265, T>G on the plus strand (A>C on the coding strand, the complement: PRKDC is on the minus strand). VCF-style: chr8-47807265-T-G. GRCh37 (hg19) VCF-style: chr8-48719826-T-G.
Other names: c.9619A>C, p.Asn3207His (NM_001081640.2); short protein forms N3207H.
Identifiers: ClinVar variation 1767586 (VCV001767586.2), dbSNP rs2551863833, ClinGen allele CA371137557.

ClinVar aggregate classification (germline): Uncertain significance (1 of 4 stars; one submission).

Submission:

Ambry Genetics
Classification: Uncertain significance. Last evaluated: 2022-04-25. Review status: criteria provided, single submitter. Criteria: Ambry Variant Classification Scheme 2023. Collection method: clinical testing. Allele origin: germline.
Comment: The p.N3207H variant (also known as c.9619A>C), located in coding exon 69 of the PRKDC gene, results from an A to C substitution at nucleotide position 9619. The asparagine at codon 3207 is replaced by histidine, an amino acid with similar properties. This amino acid position is conserved. In addition, this alteration is predicted to be tolerated by in silico analysis. Since supporting evidence is limited at this time, the clinical significance of this alteration remains unclear.